The following is an entry in ClinVar:

ClinVar aggregate classification (germline): Benign/Likely benign. Review status: criteria provided, multiple submitters, no conflicts (2 of 4 stars). 12 submissions from 10 submitters: Benign (4); Likely benign (4). 4 of the submissions do not count toward it. Last evaluated 2026-07-01.

Conditions:
PSEN2-related disorder. Also called: PSEN2-related condition.
Alzheimer disease. Also called: Alzheimer's disease; Presenile and senile dementia. Identifiers: Orphanet 1020, MedGen C0002395, MeSH D000544, MONDO:0004975, HP:0002511.
Alzheimer disease 4 (AD4). Identifiers: Orphanet 1020, MedGen C1847200, MONDO:0011743, OMIM 606889.
Dilated cardiomyopathy 1V (CMD1V). Identifiers: Orphanet 154, MedGen C3150958, MONDO:0013373, OMIM 613697.

Allele frequency attached by ClinVar (database versions not stated): 1000 Genomes Project 0.00100; 1000 Genomes Project 30x 0.00109; ExAC 0.00064; gnomAD 0.00072 and 0.00073; TOPMed 0.00063; gnomAD exomes 0.00068 and 0.00126.
gnomAD v4.1: 1,938 of 1,614,032 alleles (0.12%); highest among the groups gnomAD compares: Non-Finnish European, 0.15%; 3 homozygotes.

Submissions (12):

CeGaT Center for Human Genetics Tuebingen
Classification: Likely benign. Last evaluated: 2026-07-01. Review status: criteria provided, single submitter. Criteria: CeGaT Center For Human Genetics Tuebingen Variant Classification Criteria Version 2. Collection method: clinical testing. Allele origin: germline. Affected: yes. Observed: 1 variant allele.
Comment: PSEN2: BS1

Labcorp Genetics (formerly Invitae), Labcorp
Classification: Likely benign for Alzheimer disease 4. Last evaluated: 2026-02-03. Review status: criteria provided, single submitter. Criteria: Invitae Variant Classification Sherloc (09022015). Collection method: clinical testing. Allele origin: germline.

Athena Diagnostics
Classification: Benign. Last evaluated: 2025-02-21. Review status: criteria provided, single submitter. Criteria: Athena Diagnostics Criteria. Collection method: clinical testing. Allele origin: unknown.
Comment: The frequency of this variant in the general population is higher than would generally be expected for pathogenic variants in this gene.

Women's Health and Genetics/Laboratory Corporation of America, LabCorp
Classification: Likely benign. Last evaluated: 2024-10-25. Review status: criteria provided, single submitter. Criteria: LabCorp Variant Classification Summary - May 2015. Collection method: clinical testing. Allele origin: germline.
Comment: Variant summary: PSEN2 c.389C>T (p.Ser130Leu) results in a non-conservative amino acid change in the encoded protein sequence. Five of five in-silico tools predict a damaging effect of the variant on protein function. The variant allele was found at a frequency of 0.0012 in 1607058 control chromosomes, predominantly at a frequency of 0.0015 within the Non-Finnish European subpopulation in the gnomAD database (v4.1 dataset), including 3 homozygotes. The observed variant frequency within Non-Finnish European control individuals in the gnomAD database exceeds the estimated maximal expected allele frequency for a pathogenic variant in PSEN2 causing Alzheimer Disease 4 phenotype. c.389C>T has been reported in the literature in individuals affected with Alzheimer Disease (e.g. Tedde_2003). However, at least one publication reports experimental evidence evaluating an impact on protein function, and demonstrated that the variant didn't alter amyloid beta (Abeta) peptide generation from beta-amyloid precursor protein (APP), suggesting that the variant represent a polymorphisms rather than disease-causing mutation (Walker_2005). In addition, the variant was also reported in individuals affected with idiopathic dilated cardiomyopathy (Li_2006), however current evidence is not sufficient to support the association of PSEN2 with this phenotype. The following publications have been ascertained in the context of this evaluation (PMID: 14623725, 15663477, 7186461, 20375137). ClinVar contains an entry for this variant (Variation ID: 8852). Based on the evidence outlined above, the variant was classified as likely benign.

Mayo Clinic Laboratories, Mayo Clinic
Classification: Benign. Last evaluated: 2023-03-09. Review status: criteria provided, single submitter. Criteria: ACMG Guidelines, 2015. Collection method: clinical testing. Allele origin: germline. Observed: 4 variant alleles.
Comment: BS2, BS3, PP3

Illumina Laboratory Services, Illumina
Classification: Benign for Alzheimer disease 4. Last evaluated: 2017-04-28. Review status: criteria provided, single submitter. Criteria: ICSL Variant Classification Criteria 13 December 2019. Collection method: clinical testing. Allele origin: germline.
Comment: This variant was observed as part of a predisposition screen in an ostensibly healthy population. A literature search was performed for the gene, cDNA change, and amino acid change (where applicable). Publications were found based on this search. The evidence from the literature, in combination with allele frequency data from public databases where available, was sufficient to rule this variant out of causing disease. Therefore, this variant is classified as benign.

Illumina Laboratory Services, Illumina
Classification: Benign for Dilated cardiomyopathy 1V. Last evaluated: 2017-04-28. Review status: criteria provided, single submitter. Criteria: ICSL Variant Classification Criteria 13 December 2019. Collection method: clinical testing. Allele origin: germline.
Comment: the same text as in the submission from Illumina Laboratory Services, Illumina above.

Biesecker Lab/Clinical Genomics Section, National Institutes of Health
Classification: Likely benign for Alzheimer disease. Last evaluated: 2013-06-24. Review status: criteria provided, single submitter. Criteria: Ng et al. (Circ Cardiovasc Genet. 2013). Collection method: research. Allele origin: unknown. Observed: 1 variant allele. Study: ClinSeq.
Comment: The study set was not selected for affection status in relation to any cancer. Pathogenicity categories were based on literature curation. See Pubmed ID:23861362 for details.

Medical sequencing

PreventionGenetics, part of Exact Sciences
Classification: Likely benign for PSEN2-related condition. Last evaluated: 2020-05-15. Review status: no assertion criteria provided. Collection method: clinical testing. Allele origin: germline. Not counted in ClinVar's aggregate classification.
Comment: This variant is classified as likely benign based on ACMG/AMP sequence variant interpretation guidelines (Richards et al. 2015 PMID: 25741868, with internal and published modifications).

OMIM
Classification: Pathogenic for CARDIOMYOPATHY, DILATED, 1V. Last evaluated: 2006-12-01. Review status: no assertion criteria provided. Collection method: literature only. Allele origin: germline. Not counted in ClinVar's aggregate classification.

OMIM
Classification: Pathogenic for ALZHEIMER DISEASE, FAMILIAL, 4. Last evaluated: 2006-12-01. Review status: no assertion criteria provided. Collection method: literature only. Allele origin: germline. Not counted in ClinVar's aggregate classification.

VIB  Department of Molecular Genetics, University of Antwerp
No classification provided. Review status: no classification provided. Collection method: not provided. Allele origin: unknown. Not counted in ClinVar's aggregate classification.

Literature cited by the submitters: PubMed 17186461 (cited by 4 submitters); PubMed 25104557 (cited by 3 submitters); PubMed 17345043 (cited by Athena Diagnostics and Illumina Laboratory Services, Illumina); PubMed 32917274 (cited by Athena Diagnostics); PubMed 32032730 (cited by Athena Diagnostics and Mayo Clinic Laboratories, Mayo Clinic); PubMed 14623725 (cited by 5 submitters); PubMed 15663477 (cited by 4 submitters); PubMed 30045758 (cited by Athena Diagnostics); PubMed 26899768 (cited by Athena Diagnostics and Mayo Clinic Laboratories, Mayo Clinic); PubMed 22503161 (cited by 3 submitters); PubMed 25604855 (cited by Athena Diagnostics and Illumina Laboratory Services, Illumina); PubMed 25937274 (cited by Athena Diagnostics); PubMed 23861362 (cited by Athena Diagnostics); PubMed 23383383 (cited by Athena Diagnostics and Illumina Laboratory Services, Illumina); PubMed 23558482 (cited by Athena Diagnostics); PubMed 24880964 (cited by Athena Diagnostics); PubMed 26242991 (cited by Athena Diagnostics and Illumina Laboratory Services, Illumina); PubMed 26507310 (cited by Athena Diagnostics and Illumina Laboratory Services, Illumina); PubMed 20375137 (cited by Women's Health and Genetics/Laboratory Corporation of America, LabCorp); PubMed 7186461 (cited by Women's Health and Genetics/Laboratory Corporation of America, LabCorp); PubMed 30279455 (cited by Mayo Clinic Laboratories, Mayo Clinic).

NM_000447.3(PSEN2):c.389C>T (p.Ser130Leu)

Gene: PSEN2 (presenilin 2; plus strand). Cytogenetic location: 1q42.13.
Variant type: single nucleotide variant.
Coding change: c.389C>T on transcript NM_000447.3 (MANE Select); coding-DNA position 389, C replaced by T.
Protein change: p.Ser130Leu; replaces serine 130 with leucine.
Molecular consequence: missense variant.
Genome position (GRCh38, 1-based): chr1:226,885,570, C>T. VCF-style: chr1-226885570-C-T. GRCh37 (hg19) VCF-style: chr1-227073271-C-T.
Other names: c.389C>T, p.Ser130Leu (NM_012486.3); short protein forms S130L.
Identifiers: ClinVar variation 8852 (VCV000008852.35), dbSNP rs63750197, ClinGen allele CA224951.
Genomic context (GRCh38, chr1:226,885,570, plus strand): 5'-AGCATCAGCCCTTTGCCTTCTCCCTCAGCATCTACACGCCATTCACTGAGGACACACCCT[C>T]GGTGGGCCAGCGCCTCCTCAACTCCGTGCTGAACACCCTCATCATGATCAGCGTCATCGT-3'
Protein context (NP_000438.2, residues 120-140): IYTPFTEDTP[Ser130Leu]VGQRLLNSVL